The following is an entry in ClinVar:

ClinVar aggregate classification (germline): Uncertain significance (1 of 4 stars; one submission).

Conditions:
Axenfeld-Rieger syndrome type 3 (RIEG3). Also called: AXENFELD-RIEGER ANOMALY WITH CARDIAC DEFECTS AND/OR SENSORINEURAL HEARING LOSS. Identifiers: Orphanet 782, MedGen C2678503, MONDO:0011233, OMIM 602482.

Submission:

Labcorp Genetics (formerly Invitae), Labcorp
Classification: Uncertain significance for Axenfeld-Rieger syndrome type 3. Last evaluated: 2021-12-02. Review status: criteria provided, single submitter. Criteria: Invitae Variant Classification Sherloc (09022015). Collection method: clinical testing. Allele origin: germline.
Comment: This variant has not been reported in the literature in individuals affected with FOXC1-related conditions. Information on the frequency of this variant in the gnomAD database is not available, as this variant may be reported differently in the database. This sequence change replaces serine with histidine at codon 268 of the FOXC1 protein (p.Ser268His). The serine residue is highly conserved and there is a moderate physicochemical difference between serine and histidine. Algorithms developed to predict the effect of missense changes on protein structure and function are either unavailable or do not agree on the potential impact of this missense change (SIFT: "Not Available"; PolyPhen-2: "Probably Damaging"; Align-GVGD: "Not Available"). In summary, the available evidence is currently insufficient to determine the role of this variant in disease. Therefore, it has been classified as a Variant of Uncertain Significance.

NM_001453.3(FOXC1):c.802_803delinsCA (p.Ser268His)

Gene: FOXC1 (forkhead box C1; plus strand). Cytogenetic location: 6p25.3.
Variant type: Indel.
Coding change: c.802_803delinsCA on transcript NM_001453.3 (MANE Select); coding-DNA positions 802 to 803, TC replaced by CA.
Protein change: p.Ser268His; replaces serine 268 with histidine.
Molecular consequence: missense variant.
Genome position (GRCh38, 1-based): chr6:1,611,247-1,611,248, TC replaced by CA. VCF-style: chr6-1611247-TC-CA. GRCh37 (hg19) VCF-style: chr6-1611482-TC-CA.
Other names: short protein forms S268H.
Identifiers: ClinVar variation 1469708 (VCV001469708.6), dbSNP rs2113112684, ClinGen allele CA2573140158.